The following is an entry in ClinVar:

ClinVar aggregate classification (germline): Uncertain significance (1 of 4 stars; one submission).

Submission:

Labcorp Genetics (formerly Invitae), Labcorp
Classification: Uncertain significance. Last evaluated: 2022-07-06. Review status: criteria provided, single submitter. Criteria: Invitae Variant Classification Sherloc (09022015). Collection method: clinical testing. Allele origin: germline.
Comment: This variant is a gross deletion of the genomic region encompassing exon(s) 1-4 of the IMPDH1 gene, which includes the initiator codon. This deletion extends beyond the assayed region for this gene and therefore may encompass additional genes. It is expected to result in an absent or disrupted protein product. However, the current clinical and genetic evidence is not sufficient to establish whether loss-of-function variants in IMPDH1 cause disease. This variant has not been reported in the literature in individuals affected with IMPDH1-related conditions. In summary, the available evidence is currently insufficient to determine the role of this variant in disease. Therefore, it has been classified as a Variant of Uncertain Significance.

NC_000007.13:g.(?_128045821)_(128049955_?)del

Gene: IMPDH1 (inosine monophosphate dehydrogenase 1; minus strand). Cytogenetic location: 7q32.1.
Variant type: Deletion.
Identifiers: ClinVar variation 1027354 (VCV001027354.2).